The following is an entry in ClinVar:

NM_001375380.1(EBF3):c.485G>A (p.Ser162Asn)

Gene: EBF3 (EBF transcription factor 3; minus strand). Cytogenetic location: 10q26.3.
Variant type: single nucleotide variant.
Coding change: c.485G>A on transcript NM_001375380.1 (MANE Select); coding-DNA position 485, G replaced by A.
Protein change: p.Ser162Asn; replaces serine 162 with asparagine.
Molecular consequence: missense variant.
Genome position (GRCh38, 1-based): chr10:129,958,934, C>T on the plus strand (G>A on the coding strand, the complement: EBF3 is on the minus strand). VCF-style: chr10-129958934-C-T. GRCh37 (hg19) VCF-style: chr10-131757198-C-T.
Other names: c.485G>A, p.Ser162Asn (NM_001375379.1, NM_001375389.1, NM_001375390.1 and 3 more transcripts); short protein forms S162N.
Identifiers: ClinVar variation 4857295 (VCV004857295.1).
Genomic context (GRCh38, chr10:129,958,934, plus strand): 5'-TGTAGACGCAGCTGGCGCCGAGGCAGCCCGCGCCCCCGCCGCCCGCCGCCCGCCGCTCAC[C>T]TGCACATGATCTCGTGGGTCAGCAGCACACGGCACATCTCCGGGTTCTTGTCCTGGCCCT-3'
Protein context (NP_001362309.1, residues 152-172): RVLLTHEIMC[Ser162Asn]RCCDKKSCGN

ClinVar aggregate classification (germline): Uncertain significance (1 of 4 stars; one submission).

Conditions:
Hypotonia, ataxia, and delayed development syndrome (HADDS). Also called: EBF3 Neurodevelopmental Disorder. Identifiers: Orphanet 658843, MedGen C4310618, MONDO:0015021, OMIM 617330.

Submission:

MVZ Medizinische Genetik Mainz
Classification: Uncertain significance for Hypotonia, ataxia, and delayed development syndrome. Last evaluated: 2023-07-04. Review status: criteria provided, single submitter. Criteria: UK Practice Guidelines For Variant Classification V4 01 2020. Collection method: clinical testing. Allele origin: germline. Inheritance: Autosomal dominant inheritance. Affected: yes. Observed: 1 variant allele.
Comment: ACMG Criteria: PM2_SUP,PP3